The following is an entry in ClinVar:

NM_199420.4(POLQ):c.6806C>G (p.Pro2269Arg)

Gene: POLQ (DNA polymerase theta; minus strand). Cytogenetic location: 3q13.33.
Variant type: single nucleotide variant.
Coding change: c.6806C>G on transcript NM_199420.4 (MANE Select); coding-DNA position 6806, C replaced by G.
Protein change: p.Pro2269Arg; replaces proline 2269 with arginine.
Molecular consequence: missense variant.
Genome position (GRCh38, 1-based): chr3:121,468,344, G>C on the plus strand (C>G on the coding strand, the complement: POLQ is on the minus strand). VCF-style: chr3-121468344-G-C. GRCh37 (hg19) VCF-style: chr3-121187191-G-C.
Other names: short protein forms P2269R.
Identifiers: ClinVar variation 1755542 (VCV001755542.2), dbSNP rs2047855301, ClinGen allele CA354111353.

ClinVar aggregate classification (germline): Uncertain significance (1 of 4 stars; one submission).

Submission:

Ambry Genetics
Classification: Uncertain significance. Last evaluated: 2022-04-10. Review status: criteria provided, single submitter. Criteria: Ambry Variant Classification Scheme 2023. Collection method: clinical testing. Allele origin: germline.
Comment: The p.P2269R variant (also known as c.6806C>G), located in coding exon 23 of the POLQ gene, results from a C to G substitution at nucleotide position 6806. The proline at codon 2269 is replaced by arginine, an amino acid with dissimilar properties. This amino acid position is conserved. In addition, this alteration is predicted to be tolerated by in silico analysis. Since supporting evidence is limited at this time, the clinical significance of this alteration remains unclear.